The following is an entry in ClinVar:

NM_006393.3(NEBL):c.2182A>G (p.Thr728Ala)

Gene: NEBL (nebulette; minus strand). Cytogenetic location: 10p12.31.
Variant type: single nucleotide variant.
Coding change: c.2182A>G on transcript NM_006393.3 (MANE Select); coding-DNA position 2182, A replaced by G.
Protein change: p.Thr728Ala; replaces threonine 728 with alanine.
Molecular consequence: missense variant. On other transcripts: intron variant (9).
Genome position (GRCh38, 1-based): chr10:20,815,684, T>C on the plus strand (A>G on the coding strand, the complement: NEBL is on the minus strand). VCF-style: chr10-20815684-T-C. GRCh37 (hg19) VCF-style: chr10-21104613-T-C.
Other names: p.T728A:ACT>GCT; c.250-2744A>G (NM_001377326.1, NM_001377327.1, NM_001377328.1); c.358-2744A>G (NM_213569.2, NM_001173484.2, NM_001377322.1); c.301-2744A>G (NM_001377324.1); c.292-2744A>G (NM_001377325.1); c.310-2744A>G (NM_001377323.1); short protein forms T728A.
Identifiers: ClinVar variation 45493 (VCV000045493.24), dbSNP rs71535732, ClinGen allele CA136432.

ClinVar aggregate classification (germline): Benign/Likely benign. Review status: criteria provided, multiple submitters, no conflicts (2 of 4 stars). 8 submissions from 8 submitters: Benign (6); Likely benign (1). 1 of the submissions does not count toward it. Last evaluated 2026-02-01.

Conditions:
NEBL-related disorder. Also called: NEBL-related condition.
Cardiovascular phenotype. Identifiers: MedGen CN230736.
Primary dilated cardiomyopathy (DCM). Also called: Dilated Cardiomyopathy. Identifiers: Orphanet 217604, MedGen C0007193, MeSH D002311, MONDO:0005021, HP:0001644. Inheritance: Various modes of inheritance.

Allele frequency attached by ClinVar (database versions not stated): ESP Exome Variant Server 0.00123; gnomAD exomes 0.00547 and 0.02009; gnomAD 0.00843 and 0.00956; TOPMed 0.01351; ExAC 0.01638; 1000 Genomes Project 0.02855; 1000 Genomes Project 30x 0.02967.
gnomAD v4.1: 9,544 of 1,612,100 alleles (0.59%); highest among the groups gnomAD compares: East Asian, 9.3%; 403 homozygotes.

Submissions (8):

Labcorp Genetics (formerly Invitae), Labcorp
Classification: Benign for Primary dilated cardiomyopathy. Last evaluated: 2026-02-01. Review status: criteria provided, single submitter. Criteria: Invitae Variant Classification Sherloc (09022015). Collection method: clinical testing. Allele origin: germline.

Women's Health and Genetics/Laboratory Corporation of America, LabCorp
Classification: Likely benign. Last evaluated: 2023-04-10. Review status: criteria provided, single submitter. Criteria: LabCorp Variant Classification Summary - May 2015. Collection method: clinical testing. Allele origin: germline.

Eurofins Ntd Llc (ga)
Classification: Benign. Last evaluated: 2015-05-04. Review status: criteria provided, single submitter. Criteria: EGL Classification Definitions 2015. Collection method: clinical testing. Allele origin: germline. Observed: 1 variant allele, 1 heterozygote.

GeneDx
Classification: Benign. Last evaluated: 2013-11-14. Review status: criteria provided, single submitter. Criteria: GeneDx Variant Classification (06012015). Collection method: clinical testing. Allele origin: germline. Affected: yes.
Comment: This variant is considered likely benign or benign based on one or more of the following criteria: it is a conservative change, it occurs at a poorly conserved position in the protein, it is predicted to be benign by multiple in silico algorithms, and/or has population frequency not consistent with disease.

Ambry Genetics
Classification: Benign for Cardiovascular phenotype. Last evaluated: 2012-08-10. Review status: criteria provided, single submitter. Criteria: Ambry Autosomal Dominant and X-Linked criteria (10/2015). Collection method: clinical testing. Allele origin: germline. Observed: 1 variant allele.
Comment: General population or subpopulation frequency is too high to be a pathogenic mutation based on disease/syndrome prevalence and penetrance

Laboratory for Molecular Medicine, Mass General Brigham Personalized Medicine
Classification: Benign. Last evaluated: 2012-03-19. Review status: criteria provided, single submitter. Criteria: LMM Criteria. Collection method: clinical testing. Allele origin: germline. Observed: 22 variant alleles.
Comment: p.Thr728Ala in Exon 22 of NEBL: This variant is not expected to have clinical si gnificance because it has been identified in 7.5% (9/120) of chromosomes from a population in the dbSNP database (rs71 535732).

Breakthrough Genomics
Classification: Benign. Review status: criteria provided, single submitter. Criteria: ACMG Guidelines, 2015. Collection method: not provided. Allele origin: germline. Inheritance: Unknown mechanism. Affected: yes.

PreventionGenetics, part of Exact Sciences
Classification: Benign for NEBL-related condition. Last evaluated: 2019-11-12. Review status: no assertion criteria provided. Collection method: clinical testing. Allele origin: germline. Not counted in ClinVar's aggregate classification.
Comment: This variant is classified as benign based on ACMG/AMP sequence variant interpretation guidelines (Richards et al. 2015 PMID: 25741868, with internal and published modifications).